The following is an entry in ClinVar:

ClinVar aggregate classification (germline): Pathogenic/Likely pathogenic. Review status: criteria provided, multiple submitters, no conflicts (2 of 4 stars). 2 submissions from 2 submitters: Pathogenic (1); Likely pathogenic (1). Last evaluated 2024-01-01.

Conditions:
Kabuki syndrome. Also called: NIIKAWA-KUROKI SYNDROME; Kabuki make-up syndrome. Identifiers: Orphanet 2322, MedGen C0796004, MONDO:0016512.
Kabuki syndrome 1 (KABUK1). Also called: KMT2D-Related Kabuki Syndrome. Identifiers: Orphanet 2322, MedGen CN030661, MONDO:0007843, OMIM 147920.

Submissions (2):

Daryl Scott Lab, Baylor College of Medicine
Classification: Pathogenic for Kabuki syndrome 1. Last evaluated: 2024-01-01. Review status: criteria provided, single submitter. Criteria: ACMG Guidelines, 2015. Collection method: clinical testing. Allele origin: unknown. Affected: yes. Observed: 1 heterozygote.
Comment: PVS1, PM2

Labcorp Genetics (formerly Invitae), Labcorp
Classification: Likely pathogenic for Kabuki syndrome. Last evaluated: 2017-10-30. Review status: criteria provided, single submitter. Criteria: Invitae Variant Classification Sherloc (09022015). Collection method: clinical testing. Allele origin: germline.
Comment: In summary, the currently available evidence indicates that the variant is pathogenic, but additional data are needed to prove that conclusively. Therefore, this variant has been classified as Likely Pathogenic. Donor and acceptor splice site variants typically lead to a loss of protein function (PMID: 16199547), and loss-of-function variants in KMT2D are known to be pathogenic (PMID: 22126750). Algorithms developed to predict the effect of sequence changes on RNA splicing suggest that this variant may disrupt the consensus splice site, but this prediction has not been confirmed by published transcriptional studies. This variant has not been reported in the literature in individuals with KMT2D-related disease. This variant is not present in population databases (ExAC no frequency). This sequence change affects a donor splice site in intron 51 of the KMT2D gene. It is expected to disrupt RNA splicing and likely results in an absent or disrupted protein product.

Literature cited by the submitters: PubMed 16199547 (cited by Labcorp Genetics (formerly Invitae), Labcorp); PubMed 22126750 (cited by Labcorp Genetics (formerly Invitae), Labcorp).

NM_003482.4(KMT2D):c.16338+2T>C

Gene: KMT2D (lysine methyltransferase 2D; minus strand). Cytogenetic location: 12q13.12.
Variant type: single nucleotide variant.
Coding change: c.16338+2T>C on transcript NM_003482.4 (MANE Select); the canonical splice donor site of the intron after coding-DNA position 16338, T replaced by C.
Molecular consequence: splice donor variant.
Genome position (GRCh38, 1-based): chr12:49,022,588, A>G on the plus strand (T>C on the coding strand, the complement: KMT2D is on the minus strand). VCF-style: chr12-49022588-A-G. GRCh37 (hg19) VCF-style: chr12-49416371-A-G.
Identifiers: ClinVar variation 531882 (VCV000531882.8), dbSNP rs1555184777, ClinGen allele CA384677297.